The following is an entry in ClinVar:

NC_000016.10:g.67660837T>C

Genes: ACD (ACD shelterin complex subunit and telomerase recruitment factor; minus strand), LOC130059225 (ATAC-STARR-seq lymphoblastoid silent region 7618; plus strand). Cytogenetic location: 16q22.1.
Variant type: single nucleotide variant.
Genome position: GRCh38 VCF-style: chr16-67660837-T-C. GRCh37 (hg19) VCF-style: chr16-67694740-T-C.
Identifiers: ClinVar variation 1804577 (VCV001804577.2), dbSNP rs572542621, ClinGen allele CA283219163.

ClinVar aggregate classification (germline): Likely benign (1 of 4 stars; one submission).

Allele frequency attached by ClinVar (database versions not stated): gnomAD exomes 0.00037; 1000 Genomes Project 0.00399.

Submission:

GeneDx
Classification: Likely benign. Last evaluated: 2019-08-07. Review status: criteria provided, single submitter. Criteria: GeneDx Variant Classification Process June 2021. Collection method: clinical testing. Allele origin: germline. Affected: yes.
Comment: See Variant Classification Assertion Criteria.